The following is an entry in ClinVar:

NM_002334.4(LRP4):c.814G>A (p.Ala272Thr)

Gene: LRP4 (LDL receptor related protein 4; minus strand). Cytogenetic location: 11p11.2.
Variant type: single nucleotide variant.
Coding change: c.814G>A on transcript NM_002334.4 (MANE Select); coding-DNA position 814, G replaced by A.
Protein change: p.Ala272Thr; replaces alanine 272 with threonine.
Molecular consequence: missense variant.
Genome position (GRCh38, 1-based): chr11:46,896,977, C>T on the plus strand (G>A on the coding strand, the complement: LRP4 is on the minus strand). VCF-style: chr11-46896977-C-T. GRCh37 (hg19) VCF-style: chr11-46918528-C-T.
Other names: short protein forms A272T.
Identifiers: ClinVar variation 1943380 (VCV001943380.6), dbSNP rs2539772275, ClinGen allele CA380288043.

ClinVar aggregate classification (germline): Uncertain significance. Review status: criteria provided, multiple submitters, no conflicts (2 of 4 stars). 2 submissions from 2 submitters: Uncertain significance (2). Last evaluated 2023-12-27.

Conditions:
Congenital myasthenic syndrome 17. Identifiers: Orphanet 590, MedGen C4225377, MONDO:0014578, OMIM 616304.
Cenani-Lenz syndactyly syndrome. Also called: SYNDACTYLY, TYPE VII; CENANI SYNDACTYLISM. Identifiers: Orphanet 3258, MedGen C1859309, MONDO:0008931, OMIM 212780.
Sclerosteosis 2 (SOST2). Identifiers: Orphanet 3152, MedGen C3280402, MONDO:0013679, OMIM 614305.

Submissions (2):

Fulgent Genetics
Classification: Uncertain significance for Cenani-Lenz syndactyly syndrome; Sclerosteosis 2; Congenital myasthenic syndrome 17. Last evaluated: 2023-12-27. Review status: criteria provided, single submitter. Criteria: ACMG Guidelines, 2015. Collection method: clinical testing. Allele origin: germline.

Labcorp Genetics (formerly Invitae), Labcorp
Classification: Uncertain significance for Cenani-Lenz syndactyly syndrome; Sclerosteosis 2; Congenital myasthenic syndrome 17. Last evaluated: 2022-03-13. Review status: criteria provided, single submitter. Criteria: Invitae Variant Classification Sherloc (09022015). Collection method: clinical testing. Allele origin: germline.
Comment: In summary, the available evidence is currently insufficient to determine the role of this variant in disease. Therefore, it has been classified as a Variant of Uncertain Significance. Algorithms developed to predict the effect of missense changes on protein structure and function are either unavailable or do not agree on the potential impact of this missense change (SIFT: "Deleterious"; PolyPhen-2: "Benign"; Align-GVGD: "Class C0"). This variant has not been reported in the literature in individuals affected with LRP4-related conditions. This variant is not present in population databases (gnomAD no frequency). This sequence change replaces alanine, which is neutral and non-polar, with threonine, which is neutral and polar, at codon 272 of the LRP4 protein (p.Ala272Thr).